The following is an entry in ClinVar:

NM_001164508.2(NEB):c.3348C>T (p.Asn1116=)

Gene: NEB (nebulin; minus strand). Cytogenetic location: 2q23.3.
Variant type: single nucleotide variant.
Coding change: c.3348C>T on transcript NM_001164508.2 (MANE Select); coding-DNA position 3348, C replaced by T.
Protein change: p.Asn1116=; no amino-acid change (asparagine 1116 retained).
Molecular consequence: synonymous variant.
Genome position (GRCh38, 1-based): chr2:151,678,095, G>A on the plus strand (C>T on the coding strand, the complement: NEB is on the minus strand). VCF-style: chr2-151678095-G-A. GRCh37 (hg19) VCF-style: chr2-152534609-G-A.
Other names: p.Asn1116=; c.3348C>T, p.Asn1116= (NM_001164507.2, NM_001271208.2, NM_004543.5).
Identifiers: ClinVar variation 196865 (VCV000196865.27), dbSNP rs149162847, ClinGen allele CA202616.

ClinVar aggregate classification (germline): Benign/Likely benign. Review status: criteria provided, multiple submitters, no conflicts (2 of 4 stars). 9 submissions from 9 submitters: Benign (7); Likely benign (1). 1 of the submissions does not count toward it. Last evaluated 2026-02-04.

Conditions:
Nemaline myopathy 2 (NEM2). Also called: Nemaline myopathy 2, autosomal recessive. Identifiers: MedGen C1850569, MONDO:0009725, OMIM 256030.

Allele frequency attached by ClinVar (database versions not stated): ESP Exome Variant Server 0.00008; gnomAD exomes 0.00074 and 0.00266; gnomAD 0.00217; ExAC 0.00259; TOPMed 0.00264; 1000 Genomes Project 30x 0.00437; 1000 Genomes Project 0.00499.
gnomAD v4.1: 1,306 of 1,613,634 alleles (0.081%); highest among the groups gnomAD compares: East Asian, 2.6%; 13 homozygotes.

Submissions (9):

Labcorp Genetics (formerly Invitae), Labcorp
Classification: Benign for Nemaline myopathy 2. Last evaluated: 2026-02-04. Review status: criteria provided, single submitter. Criteria: Invitae Variant Classification Sherloc (09022015). Collection method: clinical testing. Allele origin: germline.

Blueprint Genetics
Classification: Likely benign. Last evaluated: 2024-10-22. Review status: criteria provided, single submitter. Criteria: ACMG Guidelines, 2015. Collection method: clinical testing. Allele origin: germline.

Athena Diagnostics
Classification: Benign. Last evaluated: 2021-05-05. Review status: criteria provided, single submitter. Criteria: Athena Diagnostics criteria. Collection method: clinical testing. Allele origin: unknown.

Mayo Clinic Laboratories, Mayo Clinic
Classification: Benign. Last evaluated: 2021-02-17. Review status: criteria provided, single submitter. Criteria: ACMG Guidelines, 2015. Collection method: clinical testing. Allele origin: germline. Observed: 3 variant alleles.

Illumina Laboratory Services, Illumina
Classification: Benign for Nemaline myopathy 2. Last evaluated: 2018-01-13. Review status: criteria provided, single submitter. Criteria: ICSL Variant Classification Criteria 13 December 2019. Collection method: clinical testing. Allele origin: germline.
Comment: This variant was observed in the ICSL laboratory as part of a predisposition screen in an ostensibly healthy population. It had not been previously curated by ICSL or reported in the Human Gene Mutation Database (HGMD: prior to June 1st, 2018), and was therefore a candidate for classification through an automated scoring system. Utilizing variant allele frequency, disease prevalence and penetrance estimates, and inheritance mode, an automated score was calculated to assess if this variant is too frequent to cause the disease. Based on the score and internal cut-off values, a variant classified as benign is not then subjected to further curation. The score for this variant resulted in a classification of benign for this disease.

GeneDx
Classification: Benign. Last evaluated: 2017-03-29. Review status: criteria provided, single submitter. Criteria: GeneDx Variant Classification (06012015). Collection method: clinical testing. Allele origin: germline. Affected: yes.
Comment: This variant is considered likely benign or benign based on one or more of the following criteria: it is a conservative change, it occurs at a poorly conserved position in the protein, it is predicted to be benign by multiple in silico algorithms, and/or has population frequency not consistent with disease.

Eurofins Ntd Llc (ga)
Classification: Benign. Last evaluated: 2014-11-06. Review status: criteria provided, single submitter. Criteria: EGL Classification Definitions 2015. Collection method: clinical testing. Allele origin: germline. Observed: 2 variant alleles, 2 heterozygotes.

PreventionGenetics, part of Exact Sciences
Classification: Benign. Review status: criteria provided, single submitter. Criteria: ACMG Guidelines, 2015. Collection method: clinical testing. Allele origin: germline.

Natera, Inc.
Classification: Benign for Nemaline myopathy type 2. Last evaluated: 2020-09-16. Review status: no assertion criteria provided. Collection method: clinical testing. Allele origin: germline. Not counted in ClinVar's aggregate classification.